The following is an entry in ClinVar:

NM_182914.3(SYNE2):c.16411C>G (p.Pro5471Ala)

Gene: SYNE2 (spectrin repeat containing nuclear envelope protein 2; plus strand). Cytogenetic location: 14q23.2.
Variant type: single nucleotide variant.
Coding change: c.16411C>G on transcript NM_182914.3 (MANE Select); coding-DNA position 16411, C replaced by G.
Protein change: p.Pro5471Ala; replaces proline 5471 with alanine.
Molecular consequence: missense variant.
Genome position (GRCh38, 1-based): chr14:64,163,513, C>G. VCF-style: chr14-64163513-C-G. GRCh37 (hg19) VCF-style: chr14-64630231-C-G.
Other names: c.16411C>G, p.Pro5471Ala (NM_015180.6); short protein forms P5471A.
Identifiers: ClinVar variation 2765463 (VCV002765463.3), dbSNP rs756335931, ClinGen allele CA389960318.

ClinVar aggregate classification (germline): Uncertain significance (1 of 4 stars; one submission).

Conditions:
Emery-Dreifuss muscular dystrophy 5, autosomal dominant (EDMD5). Also called: EMERY-DREIFUSS MUSCULAR DYSTROPHY 5. Identifiers: Orphanet 261, MedGen C2751805, MONDO:0013072, OMIM 612999.

Submission:

Labcorp Genetics (formerly Invitae), Labcorp
Classification: Uncertain significance for Emery-Dreifuss muscular dystrophy 5, autosomal dominant. Last evaluated: 2023-10-13. Review status: criteria provided, single submitter. Criteria: Invitae Variant Classification Sherloc (09022015). Collection method: clinical testing. Allele origin: germline.
Comment: This sequence change replaces proline, which is neutral and non-polar, with alanine, which is neutral and non-polar, at codon 5471 of the SYNE2 protein (p.Pro5471Ala). This variant is not present in population databases (gnomAD no frequency). This variant has not been reported in the literature in individuals affected with SYNE2-related conditions. An algorithm developed to predict the effect of missense changes on protein structure and function (PolyPhen-2) suggests that this variant is likely to be tolerated. In summary, the available evidence is currently insufficient to determine the role of this variant in disease. Therefore, it has been classified as a Variant of Uncertain Significance.